The following is an entry in ClinVar:

ClinVar aggregate classification (germline): Uncertain significance (1 of 4 stars; one submission).

Conditions:
Ullrich congenital muscular dystrophy 2 (UCMD2). Identifiers: Orphanet 75840, MedGen C4225314, MONDO:0014654, OMIM 616470.
Bethlem myopathy 2 (BTHLM2). Identifiers: Orphanet 536516, Orphanet 610, MedGen C4225313, MONDO:0034022, OMIM 616471.

Submission:

Labcorp Genetics (formerly Invitae), Labcorp
Classification: Uncertain significance for Bethlem myopathy 2; Ullrich congenital muscular dystrophy 2. Last evaluated: 2024-01-13. Review status: criteria provided, single submitter. Criteria: Invitae Variant Classification Sherloc (09022015). Collection method: clinical testing. Allele origin: germline.
Comment: This sequence change replaces tyrosine, which is neutral and polar, with histidine, which is basic and polar, at codon 1878 of the COL12A1 protein (p.Tyr1878His). This variant is not present in population databases (gnomAD no frequency). This variant has not been reported in the literature in individuals affected with COL12A1-related conditions. Advanced modeling of protein sequence and biophysical properties (such as structural, functional, and spatial information, amino acid conservation, physicochemical variation, residue mobility, and thermodynamic stability) has been performed at Invitae for this missense variant, however the output from this modeling did not meet the statistical confidence thresholds required to predict the impact of this variant on COL12A1 protein function. In summary, the available evidence is currently insufficient to determine the role of this variant in disease. Therefore, it has been classified as a Variant of Uncertain Significance.

NM_004370.6(COL12A1):c.5632T>C (p.Tyr1878His)

Gene: COL12A1 (collagen type XII alpha 1 chain; minus strand). Cytogenetic location: 6q13.
Variant type: single nucleotide variant.
Coding change: c.5632T>C on transcript NM_004370.6 (MANE Select); coding-DNA position 5632, T replaced by C.
Protein change: p.Tyr1878His; replaces tyrosine 1878 with histidine.
Molecular consequence: missense variant.
Genome position (GRCh38, 1-based): chr6:75,133,890, A>G on the plus strand (T>C on the coding strand, the complement: COL12A1 is on the minus strand). VCF-style: chr6-75133890-A-G. GRCh37 (hg19) VCF-style: chr6-75843606-A-G.
Other names: c.5632T>C, p.Tyr1878His (NM_001424113.1); c.5611T>C, p.Tyr1871His (NM_001424114.1); c.5359T>C, p.Tyr1787His (NM_001424115.1); c.2140T>C, p.Tyr714His (NM_001424116.1, NM_080645.3); short protein forms Y1871H, Y1878H, Y714H, Y1787H.
Identifiers: ClinVar variation 2954349 (VCV002954349.3), dbSNP rs2533288645, ClinGen allele CA364734864.